The following is an entry in ClinVar:

ClinVar aggregate classification (germline): Uncertain significance. Review status: criteria provided, multiple submitters, no conflicts (2 of 4 stars). 2 submissions from 2 submitters: Uncertain significance (2). Last evaluated 2026-02-12.

Conditions:
Ehlers-Danlos syndrome, classic type, 1 (EDSCL1). Also called: EDS I; Ehlers-Danlos syndrome, type 1; EHLERS-DANLOS SYNDROME, GRAVIS TYPE; EHLERS-DANLOS SYNDROME, SEVERE CLASSIC TYPE; Ehlers-Danlos Syndrome, Classic Type, COL5A1-Related. Identifiers: MedGen C0268335, MONDO:0019567, OMIM 130000.
Fibromuscular dysplasia, multifocal. Identifiers: MedGen C5543412, MONDO:0859151, OMIM 619329.

gnomAD v4.1: 1 of 1,613,734 alleles (0.000062%); highest among the groups gnomAD compares: Non-Finnish European, 0.000085%; no homozygotes.

Submissions (2):

Praxis Für Humangenetik, Biosciencia MVZ Labor Saar
Classification: Uncertain significance for Fibromuscular dysplasia, multifocal. Last evaluated: 2026-02-12. Review status: criteria provided, single submitter. Criteria: ACMG Guidelines, 2015. Collection method: clinical testing. Allele origin: germline. Observed: 1 variant allele, 1 heterozygote.

Labcorp Genetics (formerly Invitae), Labcorp
Classification: Uncertain significance for Ehlers-Danlos syndrome, classic type, 1. Last evaluated: 2022-10-09. Review status: criteria provided, single submitter. Criteria: Invitae Variant Classification Sherloc (09022015). Collection method: clinical testing. Allele origin: germline.
Comment: This variant has not been reported in the literature in individuals affected with COL5A1-related conditions. In summary, the available evidence is currently insufficient to determine the role of this variant in disease. Therefore, it has been classified as a Variant of Uncertain Significance. Advanced modeling of protein sequence and biophysical properties (such as structural, functional, and spatial information, amino acid conservation, physicochemical variation, residue mobility, and thermodynamic stability) performed at Invitae indicates that this missense variant is not expected to disrupt COL5A1 protein function. This variant is not present in population databases (gnomAD no frequency). This sequence change replaces proline, which is neutral and non-polar, with alanine, which is neutral and non-polar, at codon 1530 of the COL5A1 protein (p.Pro1530Ala).

NM_000093.5(COL5A1):c.4588C>G (p.Pro1530Ala)

Genes: COL5A1 (collagen type V alpha 1 chain; plus strand), LOC101448202 (uncharacterized LOC101448202; minus strand). Cytogenetic location: 9q34.3.
Variant type: single nucleotide variant.
Coding change: c.4588C>G on transcript NM_000093.5 (MANE Select); coding-DNA position 4588, C replaced by G.
Protein change: p.Pro1530Ala; replaces proline 1530 with alanine.
Molecular consequence: missense variant.
Genome position (GRCh38, 1-based): chr9:134,822,130, C>G. VCF-style: chr9-134822130-C-G. GRCh37 (hg19) VCF-style: chr9-137713976-C-G.
Other names: c.4588C>G, p.Pro1530Ala (NM_001278074.1); short protein forms P1530A.
Identifiers: ClinVar variation 1721346 (VCV001721346.7), dbSNP rs2490865497, ClinGen allele CA375458020.
Genomic context (GRCh38, chr9:134,822,130, plus strand): 5'-TAACCTGCATTTTCTGGTCCTTTTCAGGGTATCACTGGTCCTTCTGGCCCGATTGGGCCT[C>G]CTGGGCCCCCTGGCCTGCCGGTGTGTATCTGGGAGGGGCTTGGTCATTCCTGGGAGGGCA-3'
Protein context (NP_000084.3, residues 1520-1540): ITGPSGPIGP[Pro1530Ala]GPPGLPGPPG